The following is an entry in ClinVar:

NM_012418.4(FSCN2):c.1033C>T (p.Leu345Phe)

Gene: FSCN2 (fascin actin-bundling protein 2, retinal; plus strand). Cytogenetic location: 17q25.3.
Variant type: single nucleotide variant.
Coding change: c.1033C>T on transcript NM_012418.4 (MANE Select); coding-DNA position 1033, C replaced by T.
Protein change: p.Leu345Phe; replaces leucine 345 with phenylalanine.
Molecular consequence: missense variant.
Genome position (GRCh38, 1-based): chr17:81,536,195, C>T. VCF-style: chr17-81536195-C-T. GRCh37 (hg19) VCF-style: chr17-79503221-C-T.
Other names: c.1033C>T, p.Leu345Phe (NM_001077182.3); short protein forms L345F.
Identifiers: ClinVar variation 3028490 (VCV003028490.3), dbSNP rs753920150, ClinGen allele CA401476671.

ClinVar aggregate classification (germline): Conflicting classifications of pathogenicity. Review status: criteria provided, conflicting classifications (1 of 4 stars). 2 submissions from 2 submitters: Uncertain significance (1); Benign (1). Last evaluated 2024-06-24.

Conditions:
Retinal dystrophy. Also called: Inherited retinal dystrophy. Identifiers: Orphanet 71862, MedGen C0854723, MeSH D058499, MONDO:0019118, HP:0000556.

Allele frequency attached by ClinVar (database versions not stated): gnomAD 0.00001.
gnomAD v4.1: 23 of 1,600,932 alleles (0.0014%); highest among the groups gnomAD compares: East Asian, 0.05%; no homozygotes.

Submissions (2):

Labcorp Genetics (formerly Invitae), Labcorp
Classification: Uncertain significance. Last evaluated: 2024-06-24. Review status: criteria provided, single submitter. Criteria: Invitae Variant Classification Sherloc (09022015). Collection method: clinical testing. Allele origin: germline.
Comment: This sequence change replaces leucine, which is neutral and non-polar, with phenylalanine, which is neutral and non-polar, at codon 345 of the FSCN2 protein (p.Leu345Phe). This variant is present in population databases (no rsID available, gnomAD 0.006%). This missense change has been observed in individual(s) with retinitis pigmentosa (PMID: 33946315). An algorithm developed to predict the effect of missense changes on protein structure and function (PolyPhen-2) suggests that this variant is likely to be disruptive. In summary, the available evidence is currently insufficient to determine the role of this variant in disease. Therefore, it has been classified as a Variant of Uncertain Significance.

Dept Of Ophthalmology, Nagoya University
Classification: Benign for Retinal dystrophy. Last evaluated: 2023-10-01. Review status: criteria provided, single submitter. Criteria: Submitter's publication. Collection method: research. Allele origin: germline. Affected: yes.

Literature cited by the submitters: PubMed 33946315 (cited by Labcorp Genetics (formerly Invitae), Labcorp).